The following is an entry in ClinVar:

ClinVar aggregate classification (germline): Uncertain significance. Review status: criteria provided, multiple submitters, no conflicts (2 of 4 stars). 2 submissions from 2 submitters: Uncertain significance (2). Last evaluated 2025-12-16.

Conditions:
Hereditary cancer-predisposing syndrome. Also called: Neoplastic Syndromes, Hereditary; Tumor predisposition; Hereditary Cancer Syndrome; Hereditary neoplastic syndrome. Identifiers: Orphanet 140162, MedGen C0027672, MeSH D009386, MONDO:0015356.
Tuberous sclerosis 2 (TSC2). Identifiers: Orphanet 805, MedGen C1860707, MONDO:0013199, OMIM 613254.

Submissions (2):

Ambry Genetics
Classification: Uncertain significance for Hereditary cancer-predisposing syndrome. Last evaluated: 2025-12-16. Review status: criteria provided, single submitter. Criteria: Ambry Variant Classification Scheme 2023. Collection method: clinical testing. Allele origin: germline.
Comment: The p.H1633Y variant (also known as c.4897C>T), located in coding exon 37 of the TSC2 gene, results from a C to T substitution at nucleotide position 4897. The histidine at codon 1633 is replaced by tyrosine, an amino acid with similar properties. This amino acid position is not well conserved in available vertebrate species. In addition, the in silico prediction for this alteration is inconclusive. Based on the available evidence, the clinical significance of this variant remains unclear.

Labcorp Genetics (formerly Invitae), Labcorp
Classification: Uncertain significance for Tuberous sclerosis 2. Last evaluated: 2022-07-03. Review status: criteria provided, single submitter. Criteria: Invitae Variant Classification Sherloc (09022015). Collection method: clinical testing. Allele origin: germline.
Comment: This variant has not been reported in the literature in individuals affected with TSC2-related conditions. This variant is not present in population databases (gnomAD no frequency). This sequence change replaces histidine, which is basic and polar, with tyrosine, which is neutral and polar, at codon 1633 of the TSC2 protein (p.His1633Tyr). In summary, the available evidence is currently insufficient to determine the role of this variant in disease. Therefore, it has been classified as a Variant of Uncertain Significance. Advanced modeling of protein sequence and biophysical properties (such as structural, functional, and spatial information, amino acid conservation, physicochemical variation, residue mobility, and thermodynamic stability) performed at Invitae indicates that this missense variant is not expected to disrupt TSC2 protein function.

NM_000548.5(TSC2):c.4897C>T (p.His1633Tyr)

Gene: TSC2 (TSC complex subunit 2; plus strand). Cytogenetic location: 16p13.3.
Variant type: single nucleotide variant.
Coding change: c.4897C>T on transcript NM_000548.5 (MANE Select); coding-DNA position 4897, C replaced by T.
Protein change: p.His1633Tyr; replaces histidine 1633 with tyrosine.
Molecular consequence: missense variant.
Genome position (GRCh38, 1-based): chr16:2,086,779, C>T. VCF-style: chr16-2086779-C-T. GRCh37 (hg19) VCF-style: chr16-2136780-C-T.
Other names: c.4696C>T, p.His1566Tyr (NM_001077183.3); c.4828C>T, p.His1610Tyr (NM_001114382.3); c.4588C>T, p.His1530Tyr (NM_001318827.2); c.4552C>T, p.His1518Tyr (NM_001318829.2); c.4639C>T, p.His1547Tyr (NM_001406677.1); c.4585C>T, p.His1529Tyr (NM_001406678.1); c.4549C>T, p.His1517Tyr (NM_001406679.1); c.4297C>T, p.His1433Tyr (NM_001406680.1); and 26 more; short protein forms H1118Y, H1142Y, H1366Y, H1389Y, H1409Y, H1413Y, H1517Y, H1547Y.
Identifiers: ClinVar variation 2082235 (VCV002082235.7), dbSNP rs2151585854, ClinGen allele CA394308431.